The following is an entry in ClinVar:

ClinVar aggregate classification (germline): Pathogenic. Review status: criteria provided, multiple submitters, no conflicts (2 of 4 stars). 3 submissions from 3 submitters: Pathogenic (2). 1 of the submissions does not count toward it. Last evaluated 2025-04-11.

Conditions:
Mucolipidosis type IV (ML4). Also called: ML IV. Identifiers: Orphanet 578, MedGen C0238286, MONDO:0009653, OMIM 252650.

Submissions (3):

Labcorp Genetics (formerly Invitae), Labcorp
Classification: Pathogenic for Mucolipidosis type IV. Last evaluated: 2025-04-11. Review status: criteria provided, single submitter. Criteria: Invitae Variant Classification Sherloc (09022015). Collection method: clinical testing. Allele origin: germline.
Comment: This sequence change creates a premature translational stop signal (p.Ala539Profs*41) in the MCOLN1 gene. While this is not anticipated to result in nonsense mediated decay, it is expected to disrupt the last 42 amino acid(s) of the MCOLN1 protein. This variant is not present in population databases (gnomAD no frequency). This premature translational stop signal has been observed in individual(s) with Mucolipidosis IV (PMID: 18326692). In at least one individual the data is consistent with being in trans (on the opposite chromosome) from a pathogenic variant. ClinVar contains an entry for this variant (Variation ID: 208025). Algorithms developed to predict the effect of variants on gene product structure and function are not available or were not evaluated for this variant. Experimental studies have shown that this premature translational stop signal affects MCOLN1 function (PMID: 18326692). In summary, the currently available evidence indicates that the variant is pathogenic, but additional data are needed to prove that conclusively. Therefore, this variant has been classified as Likely Pathogenic.

Women's Health and Genetics/Laboratory Corporation of America, LabCorp
Classification: Pathogenic for Mucolipidosis type IV. Last evaluated: 2016-06-26. Review status: criteria provided, single submitter. Criteria: LabCorp Variant Classification Summary - May 2015. Collection method: clinical testing. Allele origin: germline.
Comment: Variant summary: The MCOLN1 c.1615delG (p.Ala539Profs) variant causes a frameshift mutation, however, the termation codon still maintains the full-length amino acid to be produced, although the C-terminal sequence is greatly altered. The variant of interest was not observed in controls (ExAC, 1000 Gs or ESP). Functional studies performed indicate the variant of interest does impact MCOLN1 function. In addition, a reputable database, GeneReviews cite the variant as "pathogenic." Therefore, taking all available lines of evidence into consideration, the variant of interest has been classified as Pathogenic.

GeneReviews
No classification provided. Condition: Mucolipidosis type IV. Review status: no classification provided. Collection method: literature only. Allele origin: germline. Not counted in ClinVar's aggregate classification.
Comment: Associated with mildest form of MLIV, isolated retinal degeneration and achlorhydria.

Literature cited by the submitters: PubMed 18326692 (cited by 3 submitters); NCBI Bookshelf NBK1214 (cited by GeneReviews).

NM_020533.3(MCOLN1):c.1615del (p.Ala539fs)

Gene: MCOLN1 (mucolipin TRP cation channel 1; plus strand). Cytogenetic location: 19p13.2.
Variant type: Deletion.
Coding change: c.1615del on transcript NM_020533.3 (MANE Select); coding-DNA position 1615, one base deleted (G; older notation c.1615delG).
Protein change: p.Ala539fs; shifts the reading frame from alanine 539.
Molecular consequence: frameshift variant.
Genome position (GRCh38, 1-based): chr19:7,533,562, G deleted; the last of 2 consecutive G bases (chr19:7,533,561-7,533,562); deleting either gives the same sequence. VCF-style (leftmost placement, unchanged base first): chr19-7533560-AG-A. GRCh37 (hg19) VCF-style: chr19-7598446-AG-A.
Other names: c.1614delG (NM_020533.2); short protein forms A539fs.
Identifiers: ClinVar variation 208025 (VCV000208025.4), dbSNP rs1555742780, ClinGen allele CA347341.